The following is an entry in ClinVar:

ClinVar aggregate classification (germline): Uncertain significance (1 of 4 stars; one submission).

Conditions:
Tuberous sclerosis 1 (TSC1). Identifiers: Orphanet 805, MedGen C1854465, MONDO:0008612, OMIM 191100.

Submission:

Labcorp Genetics (formerly Invitae), Labcorp
Classification: Uncertain significance for Tuberous sclerosis 1. Last evaluated: 2024-08-27. Review status: criteria provided, single submitter. Criteria: Invitae Variant Classification Sherloc (09022015). Collection method: clinical testing. Allele origin: germline.
Comment: This sequence change creates a premature translational stop signal (p.Ser1073Alafs*18) in the TSC1 gene. While this is not anticipated to result in nonsense mediated decay, it is expected to disrupt the last 92 amino acid(s) of the TSC1 protein. This variant is not present in population databases (gnomAD no frequency). This variant has not been reported in the literature in individuals affected with TSC1-related conditions. Experimental studies and prediction algorithms are not available or were not evaluated, and the functional significance of this variant is currently unknown. In summary, the available evidence is currently insufficient to determine the role of this variant in disease. Therefore, it has been classified as a Variant of Uncertain Significance.

NM_000368.5(TSC1):c.3216del (p.Ser1073fs)

Gene: TSC1 (TSC complex subunit 1; minus strand). Cytogenetic location: 9q34.13.
Variant type: Deletion.
Coding change: c.3216del on transcript NM_000368.5 (MANE Select); coding-DNA position 3216, one base deleted (C; older notation c.3216delC).
Protein change: p.Ser1073fs; shifts the reading frame from serine 1073.
Molecular consequence: frameshift variant. On other transcripts: non-coding transcript variant (5).
Genome position (GRCh38, 1-based): chr9:132,896,514, G deleted on the plus strand (C on the coding strand, the reverse complement: TSC1 is on the minus strand); the first of 2 consecutive G bases (chr9:132,896,514-132,896,515); deleting either gives the same sequence. VCF-style (leftmost placement, unchanged base first): chr9-132896513-TG-T. GRCh37 (hg19) VCF-style: chr9-135771900-TG-T.
Other names: c.3213del, p.Ser1072fs (NM_001162426.2, NM_001406597.1, NM_001406598.1 and 2 more transcripts); c.3063del, p.Ser1022fs (NM_001162427.2, NM_001406610.1); c.2853del, p.Ser952fs (NM_001362177.2, NM_001406614.1, NM_001406615.1 and 4 more transcripts); c.3216del, p.Ser1073fs (NM_001406592.1, NM_001406593.1, NM_001406594.1 and 2 more transcripts); c.3201del, p.Ser1068fs (NM_001406601.1, NM_001406602.1); c.3198del, p.Ser1067fs (NM_001406603.1, NM_001406604.1); c.3174del, p.Ser1059fs (NM_001406605.1, NM_001406606.1, NM_001406607.1); c.3171del, p.Ser1058fs (NM_001406608.1, NM_001406609.1); and 8 more; short protein forms S1021fs, S1058fs, S1072fs, S722fs, S755fs, S756fs, S1059fs, S1068fs.
Identifiers: ClinVar variation 3663589 (VCV003663589.2).